The following is an entry in ClinVar:

ClinVar aggregate classification (germline): Uncertain significance (1 of 4 stars; one submission).

Conditions:
EP300-related disorder. Also called: EP300-related condition; EP300-related disorders.

Submission:

PreventionGenetics, part of Exact Sciences
Classification: Uncertain significance for EP300-related condition. Last evaluated: 2026-05-18. Review status: criteria provided, single submitter. Criteria: ACMG Guidelines, 2015. Collection method: clinical testing. Allele origin: germline.
Comment: The EP300 c.3877T>G variant is predicted to result in the amino acid substitution p.Leu1293Val. To our knowledge, this variant has not been reported in the literature or in a large population database (gnomAD), indicating this variant is rare. At this time, the clinical significance of this variant is uncertain due to the absence of conclusive functional and genetic evidence.

NM_001429.4(EP300):c.3877T>G (p.Leu1293Val)

Gene: EP300 (EP300 lysine acetyltransferase; plus strand). Cytogenetic location: 22q13.2.
Variant type: single nucleotide variant.
Coding change: c.3877T>G on transcript NM_001429.4 (MANE Select); coding-DNA position 3877, T replaced by G.
Protein change: p.Leu1293Val; replaces leucine 1293 with valine.
Molecular consequence: missense variant.
Genome position (GRCh38, 1-based): chr22:41,168,451, T>G. VCF-style: chr22-41168451-T-G. GRCh37 (hg19) VCF-style: chr22-41564455-T-G.
Other names: c.3799T>G, p.Leu1267Val (NM_001362843.2); short protein forms L1293V, L1267V.
Identifiers: ClinVar variation 4994007 (VCV004994007.1).